The following is an entry in ClinVar:

NM_000278.5(PAX2):c.587C>T (p.Ser196Phe)

Gene: PAX2 (paired box 2; plus strand). Cytogenetic location: 10q24.31.
Variant type: single nucleotide variant.
Coding change: c.587C>T on transcript NM_000278.5 (MANE Select); coding-DNA position 587, C replaced by T.
Protein change: p.Ser196Phe; replaces serine 196 with phenylalanine.
Molecular consequence: missense variant.
Genome position (GRCh38, 1-based): chr10:100,781,336, C>T. VCF-style: chr10-100781336-C-T. GRCh37 (hg19) VCF-style: chr10-102541093-C-T.
Other names: c.680C>T, p.Ser227Phe (NM_001304569.2); c.587C>T, p.Ser196Phe (NM_003987.5, NM_003988.5, NM_003989.5 and 1 more transcripts); short protein forms S196F, S227F.
Identifiers: ClinVar variation 2925258 (VCV002925258.3), dbSNP rs1234454137, ClinGen allele CA378258609.
Genomic context (GRCh38, chr10:100,781,336, plus strand): 5'-GCGCCTCCAATGACCCAGTGGGATCCTACTCCATCAATGGGATCCTGGGGATTCCTCGCT[C>T]CAATGGTGAGAAGAGGAAACGTGATGAAGGTAGGGAGGAGGGAAGAGGTGTGGCTTCCCC-3'
Protein context (NP_000269.3, residues 186-206): SINGILGIPR[Ser196Phe]NGEKRKRDED

ClinVar aggregate classification (germline): Uncertain significance (1 of 4 stars; one submission).

Conditions:
Renal coloboma syndrome (PAPRS). Also called: PAPILLORENAL SYNDROME; COLOBOMA OF OPTIC NERVE WITH RENAL DISEASE; OPTIC COLOBOMA, VESICOURETERAL REFLUX, AND RENAL ANOMALIES; OPTIC NERVE COLOBOMA WITH RENAL DISEASE; RENAL-COLOBOMA SYNDROME WITH MACULAR ABNORMALITIES; PAPILLORENAL SYNDROME WITH MILD OCULAR ABNORMALITIES. Identifiers: Orphanet 1475, MedGen C1852759, MONDO:0007352, OMIM 120330.
Focal segmental glomerulosclerosis 7 (FSGS7). Identifiers: Orphanet 656, MedGen C4014925, MONDO:0014451, OMIM 616002.

Allele frequency attached by ClinVar (database versions not stated): TOPMed below 0.00001; gnomAD 0.00001; gnomAD exomes 0.00001.
gnomAD v4.1: 10 of 1,613,782 alleles (0.00062%); highest among the groups gnomAD compares: Non-Finnish European, 0.00076%; no homozygotes.

Submission:

Labcorp Genetics (formerly Invitae), Labcorp
Classification: Uncertain significance for Renal coloboma syndrome; Focal segmental glomerulosclerosis 7. Last evaluated: 2023-05-20. Review status: criteria provided, single submitter. Criteria: Invitae Variant Classification Sherloc (09022015). Collection method: clinical testing. Allele origin: germline.
Comment: In summary, the available evidence is currently insufficient to determine the role of this variant in disease. Therefore, it has been classified as a Variant of Uncertain Significance. An algorithm developed to predict the effect of missense changes on protein structure and function (PolyPhen-2) suggests that this variant is likely to be disruptive. This variant has not been reported in the literature in individuals affected with PAX2-related conditions. This variant is present in population databases (no rsID available, gnomAD 0.002%). This sequence change replaces serine, which is neutral and polar, with phenylalanine, which is neutral and non-polar, at codon 196 of the PAX2 protein (p.Ser196Phe).